The following is an entry in ClinVar:

NM_000070.3(CAPN3):c.947C>T (p.Thr316Ile)

Gene: CAPN3 (calpain 3; plus strand). Cytogenetic location: 15q15.1.
Variant type: single nucleotide variant.
Coding change: c.947C>T on transcript NM_000070.3 (MANE Select); coding-DNA position 947, C replaced by T.
Protein change: p.Thr316Ile; replaces threonine 316 with isoleucine.
Molecular consequence: missense variant.
Genome position (GRCh38, 1-based): chr15:42,392,640, C>T. VCF-style: chr15-42392640-C-T. GRCh37 (hg19) VCF-style: chr15-42684838-C-T.
Other names: c.947C>T, p.Thr316Ile (NM_024344.2); c.803C>T, p.Thr268Ile (NM_173087.2); c.947C>T (NM_000070.2); short protein forms T268I, T316I.
Identifiers: ClinVar variation 990241 (VCV000990241.4), dbSNP rs1489416145, ClinGen allele CA391998742.

ClinVar aggregate classification (germline): Uncertain significance. Review status: criteria provided, multiple submitters, no conflicts (2 of 4 stars). 3 submissions from 3 submitters: Uncertain significance (2). 1 of the submissions does not count toward it. Last evaluated 2024-07-30.

Conditions:
Inborn genetic diseases. Identifiers: MedGen C0950123, MeSH D030342.
Autosomal recessive limb-girdle muscular dystrophy type 2A (LGMDR1). Also called: Limb-girdle muscular dystrophy, type 2A; Calpainopathy; LEYDEN-MOEBIUS MUSCULAR DYSTROPHY; MUSCULAR DYSTROPHY, PELVOFEMORAL; Muscular dystrophy, limb-girdle, type 2A, Amish. Identifiers: Orphanet 267, MedGen C1869123, MONDO:0009675, OMIM 253600. Disease mechanism: loss of function.

Allele frequency attached by ClinVar (database versions not stated): gnomAD exomes below 0.00001; gnomAD 0.00001; TOPMed 0.00001.
gnomAD v4.1: 2 of 1,612,974 alleles (0.00012%); highest among the groups gnomAD compares: Non-Finnish European, 0.00017%; no homozygotes.

Submissions (3):

Ambry Genetics
Classification: Uncertain significance for Inborn genetic diseases. Last evaluated: 2024-07-30. Review status: criteria provided, single submitter. Criteria: Ambry Variant Classification Scheme 2023. Collection method: clinical testing. Allele origin: germline.

Labcorp Genetics (formerly Invitae), Labcorp
Classification: Uncertain significance for Autosomal recessive limb-girdle muscular dystrophy type 2A. Last evaluated: 2022-10-31. Review status: criteria provided, single submitter. Criteria: Invitae Variant Classification Sherloc (09022015). Collection method: clinical testing. Allele origin: germline.
Comment: This sequence change replaces threonine, which is neutral and polar, with isoleucine, which is neutral and non-polar, at codon 316 of the CAPN3 protein (p.Thr316Ile). This variant is not present in population databases (gnomAD no frequency). This variant has not been reported in the literature in individuals affected with CAPN3-related conditions. ClinVar contains an entry for this variant (Variation ID: 990241). Algorithms developed to predict the effect of missense changes on protein structure and function (SIFT, PolyPhen-2, Align-GVGD) all suggest that this variant is likely to be tolerated. In summary, the available evidence is currently insufficient to determine the role of this variant in disease. Therefore, it has been classified as a Variant of Uncertain Significance.

Natera, Inc.
Classification: Uncertain significance for Limb-girdle muscular dystrophy type 2A. Last evaluated: 2020-04-17. Review status: no assertion criteria provided. Collection method: clinical testing. Allele origin: germline. Not counted in ClinVar's aggregate classification.